The following is an entry in ClinVar:

ClinVar aggregate classification (germline): Uncertain significance (1 of 4 stars; one submission).

Conditions:
Hereditary spastic paraplegia. Also called: Familial spastic paraparesis. Identifiers: Orphanet 685, MedGen C0037773, MONDO:0019064. Disease mechanism: loss of function.

Submission:

Labcorp Genetics (formerly Invitae), Labcorp
Classification: Uncertain significance for Hereditary spastic paraplegia. Last evaluated: 2026-01-25. Review status: criteria provided, single submitter. Criteria: Invitae Variant Classification Sherloc (09022015). Collection method: clinical testing. Allele origin: germline.
Comment: This sequence change replaces valine, which is neutral and non-polar, with alanine, which is neutral and non-polar, at codon 381 of the USP8 protein (p.Val381Ala). This variant is present in population databases (rs142618983, gnomAD 0.02%). This variant has not been reported in the literature in individuals affected with USP8-related conditions. An algorithm developed to predict the effect of missense changes on protein structure and function outputs the following: PolyPhen-2: "Benign". The alanine amino acid residue is found in multiple mammalian species, which suggests that this missense change does not adversely affect protein function. In summary, the available evidence is currently insufficient to determine the role of this variant in disease. Therefore, it has been classified as a Variant of Uncertain Significance.

NM_005154.5(USP8):c.1142T>C (p.Val381Ala)

Gene: USP8 (ubiquitin specific peptidase 8; plus strand). Cytogenetic location: 15q21.2.
Variant type: single nucleotide variant.
Coding change: c.1142T>C on transcript NM_005154.5 (MANE Select); coding-DNA position 1142, T replaced by C.
Protein change: p.Val381Ala; replaces valine 381 with alanine.
Molecular consequence: missense variant.
Genome position (GRCh38, 1-based): chr15:50,477,423, T>C. VCF-style: chr15-50477423-T-C. GRCh37 (hg19) VCF-style: chr15-50769620-T-C.
Other names: c.1142T>C, p.Val381Ala (NM_001128610.3); c.911T>C, p.Val304Ala (NM_001283049.2); short protein forms V381A, V304A.
Identifiers: ClinVar variation 4781831 (VCV004781831.1).